The following is an entry in ClinVar:

NM_024529.5(CDC73):c.-4G>C

Gene: CDC73 (cell division cycle 73; plus strand). Cytogenetic location: 1q31.2.
Variant type: single nucleotide variant.
Coding change: c.-4G>C on transcript NM_024529.5 (MANE Select); 4 bases upstream of the start codon, G replaced by C.
Molecular consequence: 5 prime UTR variant.
Genome position (GRCh38, 1-based): chr1:193,122,197, G>C. VCF-style: chr1-193122197-G-C. GRCh37 (hg19) VCF-style: chr1-193091327-G-C.
Identifiers: ClinVar variation 3227876 (VCV003227876.1), dbSNP rs541757887, ClinGen allele CA527707679.

ClinVar aggregate classification (germline): Uncertain significance (1 of 4 stars; one submission).

Conditions:
Hereditary cancer-predisposing syndrome. Also called: Neoplastic Syndromes, Hereditary; Tumor predisposition; Hereditary neoplastic syndrome; Hereditary Cancer Syndrome. Identifiers: Orphanet 140162, MedGen C0027672, MeSH D009386, MONDO:0015356.

gnomAD v4.1: 7 of 1,613,194 alleles (0.00043%); highest among the groups gnomAD compares: African/African-American, 0.0027%; no homozygotes.

Submission:

Ambry Genetics
Classification: Uncertain significance for Hereditary cancer-predisposing syndrome. Last evaluated: 2024-02-10. Review status: criteria provided, single submitter. Criteria: Ambry Variant Classification Scheme 2023. Collection method: clinical testing. Allele origin: germline.
Comment: The c.-4G>C variant is located in the 5' untranslated region (5&rsquo; UTR) of the CDC73 gene. This variant results from a G to C substitution 4 bases upstream from the first translated codon. This nucleotide position is highly conserved in available vertebrate species. Based on the available evidence, the clinical significance of this alteration remains unclear.